The following is an entry in ClinVar:

NM_033380.3(COL4A5):c.780+5G>A

Gene: COL4A5 (collagen type IV alpha 5 chain; plus strand). Cytogenetic location: Xq22.3.
Variant type: single nucleotide variant.
Coding change: c.780+5G>A on transcript NM_033380.3 (MANE Select); 5 bases into the intron after coding-DNA position 780, G replaced by A.
Molecular consequence: intron variant.
Genome position (GRCh38, 1-based): chrX:108,578,388, G>A. VCF-style: chrX-108578388-G-A. GRCh37 (hg19) VCF-style: chrX-107821618-G-A.
Other names: c.780+5G>A (NM_000495.5).
Identifiers: ClinVar variation 4710861 (VCV004710861.1), dbSNP rs1569490635.

ClinVar aggregate classification (germline): Pathogenic (1 of 4 stars; one submission).

Submission:

Labcorp Genetics (formerly Invitae), Labcorp
Classification: Pathogenic. Last evaluated: 2025-08-12. Review status: criteria provided, single submitter. Criteria: Invitae Variant Classification Sherloc (09022015). Collection method: clinical testing. Allele origin: germline.
Comment: This sequence change falls in intron 13 of the COL4A5 gene. It does not directly change the encoded amino acid sequence of the COL4A5 protein. RNA analysis indicates that this variant induces altered splicing and likely results in a shortened protein product. This variant is not present in population databases (gnomAD no frequency). This variant has been observed in individuals with Alport syndrome (PMID: 27859054; internal data). It has also been observed to segregate with disease in related individuals. Variants that disrupt the consensus splice site are a relatively common cause of aberrant splicing (PMID: 17576681, 9536098). Studies have shown that this variant results in skipping of exon 13, but is expected to preserve the integrity of the reading-frame (PMID: 27859054). For these reasons, this variant has been classified as Pathogenic.

Literature cited by the submitters: PubMed 27859054; PubMed 17576681; PubMed 9536098.